The following is an entry in ClinVar:

NM_002417.5(MKI67):c.9360_9361delinsAT (p.Asn3120_Glu3121delinsLysTer)

Gene: MKI67 (marker of proliferation Ki-67; minus strand). Cytogenetic location: 10q26.2.
Variant type: Indel.
Coding change: c.9360_9361delinsAT on transcript NM_002417.5 (MANE Select); coding-DNA positions 9360 to 9361, TG replaced by AT.
Protein change: p.Asn3120_Glu3121delinsLysTer.
Molecular consequence: nonsense.
Genome position (GRCh38, 1-based): chr10:128,101,602-128,101,603, CA replaced by AT on the plus strand (TG replaced by AT on the coding strand, the reverse complement: MKI67 is on the minus strand). VCF-style: chr10-128101602-CA-AT. GRCh37 (hg19) VCF-style: chr10-129899866-CA-AT.
Other names: c.8280_8281delinsAT, p.Asn2760_Glu2761delinsLysTer (NM_001145966.2).
Identifiers: ClinVar variation 4992086 (VCV004992086.1).
Genomic context (GRCh38, chr10:128,101,602, plus strand): 5'-GGGCTCCATCATCTGGATTCTGAATGTCCATCTCTGGGGAGGTCTTCATGGGCTTCTTTT[CA>AT]TTTCTGTTTATTTCTATTCTTTCTGCTAATACAAAGACCTCAGTTATTTGCTGTTCTGCC-3'

ClinVar aggregate classification (germline): Uncertain significance (1 of 4 stars; one submission).

Conditions:
MKI67-related disorder. Also called: MKI67-related condition.

Submission:

PreventionGenetics, part of Exact Sciences
Classification: Uncertain significance for MKI67-related condition. Last evaluated: 2025-10-22. Review status: criteria provided, single submitter. Criteria: ACMG Guidelines, 2015. Collection method: clinical testing. Allele origin: germline.
Comment: The MKI67 c.9360_9361delinsAT variant is predicted to result in an in-frame deletion and insertion. To our knowledge, this variant has not been reported in the literature or in a large population database (gnomAD), indicating this variant is rare. Loss of function is not an established mechanism of MKI67-related disease. At this time, the clinical significance of this variant is uncertain due to the absence of conclusive functional and genetic evidence.